The following is an entry in ClinVar:

ClinVar aggregate classification (germline): Uncertain significance (1 of 4 stars; one submission).

Submission:

Ambry Genetics
Classification: Uncertain significance. Last evaluated: 2022-03-01. Review status: criteria provided, single submitter. Criteria: Ambry Variant Classification Scheme 2023. Collection method: clinical testing. Allele origin: germline.
Comment: The p.I28M variant (also known as c.84T>G), located in coding exon 1 of the KIF1B gene, results from a T to G substitution at nucleotide position 84. The isoleucine at codon 28 is replaced by methionine, an amino acid with highly similar properties. This amino acid position is conserved. In addition, this alteration is predicted to be deleterious by in silico analysis. Since supporting evidence is limited at this time, the clinical significance of this alteration remains unclear.

NM_001365951.3(KIF1B):c.84T>G (p.Ile28Met)

Genes: KIF1B (kinesin family member 1B; plus strand), LOC129388446 (MPRA-validated peak64 silencer; plus strand). Cytogenetic location: 1p36.22.
Variant type: single nucleotide variant.
Coding change: c.84T>G on transcript NM_001365951.3 (MANE Select); coding-DNA position 84, T replaced by G.
Protein change: p.Ile28Met; replaces isoleucine 28 with methionine.
Molecular consequence: missense variant.
Genome position (GRCh38, 1-based): chr1:10,232,412, T>G. VCF-style: chr1-10232412-T-G. GRCh37 (hg19) VCF-style: chr1-10292470-T-G.
Other names: c.84T>G, p.Ile28Met (NM_001365952.1, NM_001365953.1, NM_015074.3 and 1 more transcripts); short protein forms I28M.
Identifiers: ClinVar variation 1763655 (VCV001763655.2), dbSNP rs2523353026, ClinGen allele CA338316411.
Genomic context (GRCh38, chr1:10,232,412, plus strand): 5'-GGCTGTCCGGGTAAGGCCCTTCAATTCTCGAGAGACCAGCAAGGAATCCAAATGCATCAT[T>G]CAGATGCAAGGCAACTCGACCAGTGAGTACATGTTGTTTTCTCTCAGCTGTGTATCTTAC-3'
Protein context (NP_001352880.1, residues 18-38): RETSKESKCI[Ile28Met]QMQGNSTSII